The following is an entry in ClinVar:

ClinVar aggregate classification (germline): Likely benign. Review status: criteria provided, single submitter (1 of 4 stars). 2 submissions from 2 submitters: Likely benign (1). 1 of the submissions does not count toward it. Last evaluated 2026-01-20.

Conditions:
Severe combined immunodeficiency due to DNA-PKcs deficiency. Also called: Immunodeficiency 26 with or without neurologic abnormalities; IMMUNODEFICIENCY 26 WITH NEUROLOGIC ABNORMALITIES. Identifiers: Orphanet 317425, MedGen C4014833, MONDO:0014423, OMIM 615966.
PRKDC-related disorder. Also called: PRKDC-related condition.

Allele frequency attached by ClinVar (database versions not stated): gnomAD exomes 0.00041; ExAC 0.00044; 1000 Genomes Project 0.00100; ESP Exome Variant Server 0.00114; gnomAD 0.00117 and 0.00124; TOPMed 0.00150.
gnomAD v4.1: 520 of 1,613,952 alleles (0.032%); highest among the groups gnomAD compares: African/African-American, 0.41%; 3 homozygotes.

Submissions (2):

Labcorp Genetics (formerly Invitae), Labcorp
Classification: Likely benign for Severe combined immunodeficiency due to DNA-PKcs deficiency. Last evaluated: 2026-01-20. Review status: criteria provided, single submitter. Criteria: Invitae Variant Classification Sherloc (09022015). Collection method: clinical testing. Allele origin: germline.

PreventionGenetics, part of Exact Sciences
Classification: Likely benign for PRKDC-related condition. Last evaluated: 2023-09-12. Review status: no assertion criteria provided. Collection method: clinical testing. Allele origin: germline. Not counted in ClinVar's aggregate classification.
Comment: This variant is classified as likely benign based on ACMG/AMP sequence variant interpretation guidelines (Richards et al. 2015 PMID: 25741868, with internal and published modifications).

NM_006904.7(PRKDC):c.5837A>G (p.Asn1946Ser)

Gene: PRKDC (protein kinase, DNA-activated, catalytic subunit; minus strand). Cytogenetic location: 8q11.21.
Variant type: single nucleotide variant.
Coding change: c.5837A>G on transcript NM_006904.7 (MANE Select); coding-DNA position 5837, A replaced by G.
Protein change: p.Asn1946Ser; replaces asparagine 1946 with serine.
Molecular consequence: missense variant.
Genome position (GRCh38, 1-based): chr8:47,862,455, T>C on the plus strand (A>G on the coding strand, the complement: PRKDC is on the minus strand). VCF-style: chr8-47862455-T-C. GRCh37 (hg19) VCF-style: chr8-48775016-T-C.
Other names: c.5837A>G, p.Asn1946Ser (NM_001081640.2); short protein forms N1946S.
Identifiers: ClinVar variation 773908 (VCV000773908.12), dbSNP rs55835956, ClinGen allele CA4740559.
Genomic context (GRCh38, chr8:47,862,455, plus strand): 5'-AGAAAACCTTGGTAAAATTTTAACTCATTGAAGACACAGCAGATGACAGATATGGCGCAG[T>C]TGTATGCTGCACAATGGTAAAGTCTTCTCCTCTCCAGCAGCTGATTCTCTCCTGCCATGT-3'
Protein context (NP_008835.5, residues 1936-1956): RRRLYHCAAY[Asn1946Ser]CAISVICCVF